The following is an entry in ClinVar:

NM_000443.4(ABCB4):c.2396A>T (p.Asp799Val)

Gene: ABCB4 (ATP binding cassette subfamily B member 4; minus strand). Cytogenetic location: 7q21.12.
Variant type: single nucleotide variant.
Coding change: c.2396A>T on transcript NM_000443.4 (MANE Select); coding-DNA position 2396, A replaced by T.
Protein change: p.Asp799Val; replaces aspartic acid 799 with valine.
Molecular consequence: missense variant.
Genome position (GRCh38, 1-based): chr7:87,418,619, T>A on the plus strand (A>T on the coding strand, the complement: ABCB4 is on the minus strand). VCF-style: chr7-87418619-T-A. GRCh37 (hg19) VCF-style: chr7-87047935-T-A.
Other names: p.Asp799Val; c.2396A>T, p.Asp799Val (NM_018849.3, NM_018850.3); short protein forms D799V.
Identifiers: ClinVar variation 4541297 (VCV004541297.1).
Genomic context (GRCh38, chr7:87,418,619, plus strand): 5'-GTGGCAAGTCTTGTAGAAAGTGCACCAGTACTGTTTTTATGGTCATCAAACCAGCTCATG[T>A]CCTATGGCATAAAATACACGTTTATGTTAGTTCAAAATTAAAACAAGCAAAGAAAACCAG-3'
Protein context (NP_000434.1, residues 789-809): SMAFKAMLRQ[Asp799Val]MSWFDDHKNS

ClinVar aggregate classification (germline): Uncertain significance (1 of 4 stars; one submission).

Submission:

Mayo Clinic Laboratories, Mayo Clinic
Classification: Uncertain significance. Last evaluated: 2024-10-24. Review status: criteria provided, single submitter. Criteria: ACMG Guidelines, 2015. Collection method: clinical testing. Allele origin: germline. Observed: 1 variant allele.
Comment: PP3, PM2_supporting